The following is an entry in ClinVar:

ClinVar aggregate classification (germline): Likely benign. Review status: criteria provided, multiple submitters, no conflicts (2 of 4 stars). 2 submissions from 2 submitters: Likely benign (2). Last evaluated 2025-05-22.

Conditions:
Methylmalonic acidemia with homocystinuria, type cblX (MAHCX). Also called: INTELLECTUAL DEVELOPMENTAL DISORDER, X-LINKED 3. Identifiers: Orphanet 369962, MedGen C0796208, MONDO:0010657, OMIM 309541.

Allele frequency attached by ClinVar (database versions not stated): gnomAD 0.00005; ExAC 0.00009; gnomAD exomes 0.00002; TOPMed 0.00002.

Submissions (2):

Labcorp Genetics (formerly Invitae), Labcorp
Classification: Likely benign for Methylmalonic acidemia with homocystinuria, type cblX. Last evaluated: 2025-05-22. Review status: criteria provided, single submitter. Criteria: Invitae Variant Classification Sherloc (09022015). Collection method: clinical testing. Allele origin: germline.

CeGaT Center for Human Genetics Tuebingen
Classification: Likely benign. Last evaluated: 2023-02-01. Review status: criteria provided, single submitter. Criteria: CeGaT Center For Human Genetics Tuebingen Variant Classification Criteria Version 2. Collection method: clinical testing. Allele origin: germline. Affected: yes. Observed: 1 variant allele.
Comment: HCFC1: BP4, BP7

NM_005334.3(HCFC1):c.4575A>G (p.Thr1525=)

Gene: HCFC1 (host cell factor C1; minus strand). Cytogenetic location: Xq28.
Variant type: single nucleotide variant.
Coding change: c.4575A>G on transcript NM_005334.3 (MANE Select); coding-DNA position 4575, A replaced by G.
Protein change: p.Thr1525=; no amino-acid change (threonine 1525 retained).
Molecular consequence: synonymous variant.
Genome position (GRCh38, 1-based): chrX:153,952,881, T>C on the plus strand (A>G on the coding strand, the complement: HCFC1 is on the minus strand). VCF-style: chrX-153952881-T-C. GRCh37 (hg19) VCF-style: chrX-153218332-T-C.
Other names: c.4707A>G, p.Thr1569= (NM_001410705.1).
Identifiers: ClinVar variation 2043508 (VCV002043508.28), dbSNP rs782207879, ClinGen allele CA10556943.